The following is an entry in ClinVar:

NM_001170629.2(CHD8):c.5599+2T>G

Gene: CHD8 (chromodomain helicase DNA binding protein 8; minus strand). Cytogenetic location: 14q11.2.
Variant type: single nucleotide variant.
Coding change: c.5599+2T>G on transcript NM_001170629.2 (MANE Select); the canonical splice donor site of the intron after coding-DNA position 5599, T replaced by G.
Molecular consequence: splice donor variant.
Genome position (GRCh38, 1-based): chr14:21,394,275, A>C on the plus strand (T>G on the coding strand, the complement: CHD8 is on the minus strand). VCF-style: chr14-21394275-A-C. GRCh37 (hg19) VCF-style: chr14-21862434-A-C.
Other names: c.4762+2T>G (NM_020920.4).
Identifiers: ClinVar variation 2770669 (VCV002770669.3), dbSNP rs2501859189, ClinGen allele CA388882679.

ClinVar aggregate classification (germline): Likely pathogenic (1 of 4 stars; one submission).

Submission:

Labcorp Genetics (formerly Invitae), Labcorp
Classification: Likely pathogenic. Last evaluated: 2023-10-22. Review status: criteria provided, single submitter. Criteria: Invitae Variant Classification Sherloc (09022015). Collection method: clinical testing. Allele origin: germline.
Comment: This sequence change affects a donor splice site in intron 30 of the CHD8 gene. It is expected to disrupt RNA splicing. Variants that disrupt the donor or acceptor splice site typically lead to a loss of protein function (PMID: 16199547), and loss-of-function variants in CHD8 are known to be pathogenic (PMID: 24998929, 26789910). This variant is not present in population databases (gnomAD no frequency). Disruption of this splice site has been observed in individual(s) with a neurodevelopmental disorder (PMID: 31721432). Algorithms developed to predict the effect of sequence changes on RNA splicing suggest that this variant may disrupt the consensus splice site. In summary, the currently available evidence indicates that the variant is pathogenic, but additional data are needed to prove that conclusively. Therefore, this variant has been classified as Likely Pathogenic.

Literature cited by the submitters: PubMed 16199547; PubMed 24998929; PubMed 26789910; PubMed 31721432.